The following is an entry in ClinVar:

ClinVar aggregate classification (germline): Uncertain significance. Review status: criteria provided, multiple submitters, no conflicts (2 of 4 stars). 2 submissions from 2 submitters: Uncertain significance (2). Last evaluated 2025-11-24.

Conditions:
Hereditary cancer-predisposing syndrome. Also called: Hereditary Cancer Syndrome; Tumor predisposition; Hereditary neoplastic syndrome; Neoplastic Syndromes, Hereditary. Identifiers: Orphanet 140162, MedGen C0027672, MeSH D009386, MONDO:0015356.
Familial cancer of breast. Also called: BREAST CANCER, FAMILIAL; Hereditary breast cancer; hereditary breast carcinoma. Identifiers: Orphanet 227535, MedGen C0346153, MONDO:0016419, OMIM 114480. Disease mechanism: loss of function.
Fanconi anemia complementation group J. Also called: BRIP1-Related Fanconi Anemia. Identifiers: Orphanet 84, MedGen C1836860, MONDO:0012187, OMIM 609054.

Submissions (2):

Labcorp Genetics (formerly Invitae), Labcorp
Classification: Uncertain significance for Familial cancer of breast; Fanconi anemia complementation group J. Last evaluated: 2025-11-24. Review status: criteria provided, single submitter. Criteria: Invitae Variant Classification Sherloc (09022015). Collection method: clinical testing. Allele origin: germline.
Comment: This sequence change replaces proline, which is neutral and non-polar, with arginine, which is basic and polar, at codon 1068 of the BRIP1 protein (p.Pro1068Arg). This variant is not present in population databases (gnomAD no frequency). This variant has not been reported in the literature in individuals affected with BRIP1-related conditions. ClinVar contains an entry for this variant (Variation ID: 2001790). Invitae Evidence Modeling of protein sequence and biophysical properties (such as structural, functional, and spatial information, amino acid conservation, physicochemical variation, residue mobility, and thermodynamic stability) indicates that this missense variant is not expected to disrupt BRIP1 protein function with a negative predictive value of 95%. In summary, the available evidence is currently insufficient to determine the role of this variant in disease. Therefore, it has been classified as a Variant of Uncertain Significance.

Ambry Genetics
Classification: Uncertain significance for Hereditary cancer-predisposing syndrome. Last evaluated: 2025-05-31. Review status: criteria provided, single submitter. Criteria: Ambry Variant Classification Scheme 2023. Collection method: clinical testing. Allele origin: germline.
Comment: The p.P1068R variant (also known as c.3203C>G), located in coding exon 19 of the BRIP1 gene, results from a C to G substitution at nucleotide position 3203. The proline at codon 1068 is replaced by arginine, an amino acid with dissimilar properties. This amino acid position is conserved. In addition, this alteration is predicted to be tolerated by in silico analysis. Based on the available evidence, the clinical significance of this variant remains unclear.

NM_032043.3(BRIP1):c.3203C>G (p.Pro1068Arg)

Gene: BRIP1 (BRCA1 interacting DNA helicase 1; minus strand). Cytogenetic location: 17q23.2.
Variant type: single nucleotide variant.
Coding change: c.3203C>G on transcript NM_032043.3 (MANE Select); coding-DNA position 3203, C replaced by G.
Protein change: p.Pro1068Arg; replaces proline 1068 with arginine.
Molecular consequence: missense variant.
Genome position (GRCh38, 1-based): chr17:61,683,843, G>C on the plus strand (C>G on the coding strand, the complement: BRIP1 is on the minus strand). VCF-style: chr17-61683843-G-C. GRCh37 (hg19) VCF-style: chr17-59761204-G-C.
Other names: short protein forms P1068R.
Identifiers: ClinVar variation 2001790 (VCV002001790.5), dbSNP rs2061316462, ClinGen allele CA400479329.